The following is an entry in ClinVar:

ClinVar aggregate classification (germline): Uncertain significance (1 of 4 stars; one submission).

Conditions:
Werner syndrome (WRN). Identifiers: Orphanet 902, MedGen C0043119, MONDO:0010196, OMIM 277700.

Submission:

Labcorp Genetics (formerly Invitae), Labcorp
Classification: Uncertain significance for Werner syndrome. Last evaluated: 2023-08-02. Review status: criteria provided, single submitter. Criteria: Invitae Variant Classification Sherloc (09022015). Collection method: clinical testing. Allele origin: germline.
Comment: In summary, the available evidence is currently insufficient to determine the role of this variant in disease. Therefore, it has been classified as a Variant of Uncertain Significance. Variants that disrupt the consensus splice site are a relatively common cause of aberrant splicing (PMID: 17576681, 9536098). Algorithms developed to predict the effect of sequence changes on RNA splicing suggest that this variant may disrupt the consensus splice site. This variant has not been reported in the literature in individuals affected with WRN-related conditions. This variant is not present in population databases (gnomAD no frequency). This sequence change falls in intron 4 of the WRN gene. It does not directly change the encoded amino acid sequence of the WRN protein. It affects a nucleotide within the consensus splice site.

Literature cited by the submitters: PubMed 17576681; PubMed 9536098.

NM_000553.6(WRN):c.355+5G>A

Gene: WRN (WRN RecQ like helicase; plus strand). Cytogenetic location: 8p12.
Variant type: single nucleotide variant.
Coding change: c.355+5G>A on transcript NM_000553.6 (MANE Select); 5 bases into the intron after coding-DNA position 355, G replaced by A.
Molecular consequence: intron variant.
Genome position (GRCh38, 1-based): chr8:31,064,439, G>A. VCF-style: chr8-31064439-G-A. GRCh37 (hg19) VCF-style: chr8-30921955-G-A.
Identifiers: ClinVar variation 2749185 (VCV002749185.2), dbSNP rs2535881352, ClinGen allele CA2697549819.